The following is an entry in ClinVar:

NM_198578.4(LRRK2):c.4985T>C (p.Ile1662Thr)

Gene: LRRK2 (leucine rich repeat kinase 2; plus strand). Cytogenetic location: 12q12.
Variant type: single nucleotide variant.
Coding change: c.4985T>C on transcript NM_198578.4 (MANE Select); coding-DNA position 4985, T replaced by C.
Protein change: p.Ile1662Thr; replaces isoleucine 1662 with threonine.
Molecular consequence: missense variant.
Genome position (GRCh38, 1-based): chr12:40,320,145, T>C. VCF-style: chr12-40320145-T-C. GRCh37 (hg19) VCF-style: chr12-40713947-T-C.
Other names: short protein forms I1662T.
Identifiers: ClinVar variation 1351657 (VCV001351657.10), dbSNP rs778418727, ClinGen allele CA6514331.
Genomic context (GRCh38, chr12:40,320,145, plus strand): 5'-CAAAGAACTACATGTCACAGTATTTTAAGCTCCTAGAAAAATTCCAGATTGCTTTGCCAA[T>C]AGGAGAAGAATATTTGCTGGTTCCAAGCAGGTAAAGAAAACCTTAAAAAATTAATTGCTA-3'
Protein context (NP_940980.4, residues 1652-1672): LLEKFQIALP[Ile1662Thr]GEEYLLVPSS

ClinVar aggregate classification (germline): Uncertain significance. Review status: criteria provided, multiple submitters, no conflicts (2 of 4 stars). 2 submissions from 2 submitters: Uncertain significance (2). Last evaluated 2024-10-23.

Conditions:
Inborn genetic diseases. Identifiers: MedGen C0950123, MeSH D030342.
Autosomal dominant Parkinson disease 8. Also called: Parkinson disease 8, susceptibility to; LRRK2-Related Parkinson Disease; Parkinson disease 8. Identifiers: Orphanet 411602, MedGen C1846862, MONDO:0011764, OMIM 607060.

Allele frequency attached by ClinVar (database versions not stated): gnomAD exomes below 0.00001; ExAC 0.00001; gnomAD 0.00001; TOPMed 0.00003.
gnomAD v4.1: 4 of 1,612,012 alleles (0.00025%); highest among the groups gnomAD compares: Admixed American, 0.0017%; no homozygotes.

Submissions (2):

Labcorp Genetics (formerly Invitae), Labcorp
Classification: Uncertain significance for Autosomal dominant Parkinson disease 8. Last evaluated: 2024-10-23. Review status: criteria provided, single submitter. Criteria: Invitae Variant Classification Sherloc (09022015). Collection method: clinical testing. Allele origin: germline.
Comment: This sequence change replaces isoleucine, which is neutral and non-polar, with threonine, which is neutral and polar, at codon 1662 of the LRRK2 protein (p.Ile1662Thr). This variant is present in population databases (rs778418727, gnomAD 0.003%). This variant has not been reported in the literature in individuals affected with LRRK2-related conditions. ClinVar contains an entry for this variant (Variation ID: 1351657). An algorithm developed to predict the effect of missense changes on protein structure and function outputs the following: PolyPhen-2: "Benign". The threonine amino acid residue is found in multiple mammalian species, which suggests that this missense change does not adversely affect protein function. In summary, the available evidence is currently insufficient to determine the role of this variant in disease. Therefore, it has been classified as a Variant of Uncertain Significance.

Ambry Genetics
Classification: Uncertain significance for Inborn genetic diseases. Last evaluated: 2023-09-27. Review status: criteria provided, single submitter. Criteria: Ambry Variant Classification Scheme 2023. Collection method: clinical testing. Allele origin: germline.
Comment: The p.I1662T variant (also known as c.4985T>C), located in coding exon 34 of the LRRK2 gene, results from a T to C substitution at nucleotide position 4985. The isoleucine at codon 1662 is replaced by threonine, an amino acid with similar properties. This amino acid position is conserved. In addition, this alteration is predicted to be tolerated by in silico analysis. Since supporting evidence is limited at this time, the clinical significance of this alteration remains unclear.